The following is an entry in ClinVar:

ClinVar aggregate classification (germline): Conflicting classifications of pathogenicity. Review status: criteria provided, conflicting classifications (1 of 4 stars). 3 submissions from 3 submitters: Uncertain significance (1); Likely benign (1). 1 of the submissions does not count toward it. Last evaluated 2025-02-24.

Conditions:
HEMOGLOBIN RUSS.

Submissions (3):

ARUP Laboratories, Molecular Genetics and Genomics, ARUP Laboratories
Classification: Likely benign. Last evaluated: 2025-02-24. Review status: criteria provided, single submitter. Criteria: ARUP Molecular Germline Variant Investigation Process 2024. Collection method: clinical testing. Allele origin: germline.
Comment: The Hb Russ variant (HBA1: c.154G>C; p.Gly52Arg, also known as Gly51Arg when numbered from the mature protein, rs33960522, HbVar ID: 75) is reported in the heterozygous state in individuals with normal hematological parameters (see link to HbVar and references therein, Moradkhani 2009). However, the phenotype of this variant in the presence of other alpha globin variants is unknown. This variant is also reported in ClinVar (Variation ID: 15806), but is absent from the Genome Aggregation Database (v2.1.1), indicating it is not a common polymorphism. Computational analyses predict that this variant is deleterious (REVEL: 0.792). Based on available information, this variant is considered to be likely benign. References: Link to HbVar Database: Moradkhani K et al. Mutations in the paralogous human alpha-globin genes yielding identical hemoglobin variants. Ann Hematol. 2009 Jun;88(6):535-43. PMID: 18923834.

Quest Diagnostics Nichols Institute San Juan Capistrano
Classification: Uncertain significance. Last evaluated: 2020-04-16. Review status: criteria provided, single submitter. Criteria: Quest Diagnostics criteria. Collection method: clinical testing. Allele origin: unknown.

OMIM
Classification: other for HEMOGLOBIN RUSS. Last evaluated: 2016-07-20. Review status: no assertion criteria provided. Collection method: literature only. Allele origin: germline. Not counted in ClinVar's aggregate classification.

Literature cited by the submitters: PubMed 18923834 (cited by Quest Diagnostics Nichols Institute San Juan Capistrano); PubMed 2752146 (cited by Quest Diagnostics Nichols Institute San Juan Capistrano and OMIM); PubMed 14449876 (cited by OMIM); PubMed 5972865 (cited by OMIM).

NM_000558.3(HBA1):c.154G>C (p.Gly52Arg)

Genes: HBA1 (hemoglobin subunit alpha 1; plus strand), LOC106804613 (hemoglobin subunit alpha 1 recombination region; plus strand). Cytogenetic location: 16p13.3.
Variant type: single nucleotide variant.
Coding change: c.154G>C on transcript NM_000558.3; coding-DNA position 154, G replaced by C.
Protein change: p.Gly52Arg; replaces glycine 52 with arginine.
Molecular consequence: missense variant (on NM_000558.5).
Genome position (GRCh38, 1-based): chr16:176,987, G>C. VCF-style: chr16-176987-G-C. GRCh37 (hg19) VCF-style: chr16-226986-G-C.
Other names: G51R; c.154G>C, p.Gly52Arg (NM_000558.5); short protein forms G52R.
Identifiers: ClinVar variation 15806 (VCV000015806.16), dbSNP rs33960522, ClinGen allele CA125873.